The following is an entry in ClinVar:

NM_001903.5(CTNNA1):c.225G>A (p.Lys75=)

Gene: CTNNA1 (catenin alpha 1; plus strand). Cytogenetic location: 5q31.2.
Variant type: single nucleotide variant.
Coding change: c.225G>A on transcript NM_001903.5 (MANE Select); coding-DNA position 225, G replaced by A.
Protein change: p.Lys75=; no amino-acid change (lysine 75 retained).
Molecular consequence: synonymous variant. On other transcripts: intron variant (2).
Genome position (GRCh38, 1-based): chr5:138,783,296, G>A. VCF-style: chr5-138783296-G-A. GRCh37 (hg19) VCF-style: chr5-138118985-G-A.
Other names: c.225G>A, p.Lys75= (NM_001290307.3, NM_001323982.2, NM_001323983.1 and 3 more transcripts); c.-6+24G>A (NM_001290310.3); c.-9+1267G>A (NM_001290309.3); c.225G>A (NM_001903.2).
Identifiers: ClinVar variation 1613435 (VCV001613435.10), dbSNP rs1580984443, ClinGen allele CA446725131.

ClinVar aggregate classification (germline): Benign/Likely benign. Review status: criteria provided, multiple submitters, no conflicts (2 of 4 stars). 3 submissions from 3 submitters: Benign (1); Likely benign (2). Last evaluated 2026-05-11.

Conditions:
Hereditary cancer-predisposing syndrome. Also called: Hereditary Cancer Syndrome; Neoplastic Syndromes, Hereditary; Hereditary neoplastic syndrome; Tumor predisposition. Identifiers: Orphanet 140162, MedGen C0027672, MeSH D009386, MONDO:0015356.
Hereditary diffuse gastric adenocarcinoma (HDGC). Also called: DIFFUSE GASTRIC AND LOBULAR BREAST CANCER SYNDROME. Identifiers: Orphanet 26106, MedGen C1708349, MONDO:0007648, OMIM 137215.

Allele frequency attached by ClinVar (database versions not stated): gnomAD exomes below 0.00001.
gnomAD v4.1: 1 of 1,614,118 alleles (0.000062%); highest among the groups gnomAD compares: Non-Finnish European, 0.000085%; no homozygotes.

Submissions (3):

Ambry Genetics
Classification: Likely benign for Hereditary cancer-predisposing syndrome. Last evaluated: 2026-05-11. Review status: criteria provided, single submitter. Criteria: Ambry Variant Classification Scheme 2023. Collection method: clinical testing. Allele origin: germline.

Myriad Genetics, Inc.
Classification: Benign for Hereditary diffuse gastric adenocarcinoma. Last evaluated: 2024-10-09. Review status: criteria provided, single submitter. Criteria: Myriad Autosomal Dominant, Autosomal Recessive and X-Linked Classification Criteria (2023). Collection method: clinical testing. Allele origin: unknown.
Comment: This variant is considered benign. This variant is a silent/synonymous amino acid change and it is not expected to impact splicing.

Labcorp Genetics (formerly Invitae), Labcorp
Classification: Likely benign. Last evaluated: 2021-04-23. Review status: criteria provided, single submitter. Criteria: Invitae Variant Classification Sherloc (09022015). Collection method: clinical testing. Allele origin: germline.